The following is an entry in ClinVar:

ClinVar aggregate classification (germline): Likely pathogenic (1 of 4 stars; one submission).

Conditions:
Wiskott-Aldrich syndrome (WAS). Also called: ALDRICH SYNDROME; IMMUNODEFICIENCY 2; Wiskott-aldrich syndrome, somatic; WISKOTT-ALDRICH SYNDROME 1. Identifiers: Orphanet 906, MedGen C0043194, MONDO:0010518, OMIM 301000.

Submission:

Women's Health and Genetics/Laboratory Corporation of America, LabCorp
Classification: Likely pathogenic for Wiskott Aldrich Syndrome. Last evaluated: 2011-08-18. Review status: criteria provided, single submitter. Criteria: LabCorp Variant Classification Summary - May 2015. Collection method: curation, clinical testing. Allele origin: germline. Inheritance: Xlinked recessive. Affected: yes. Observed: 2 variant alleles.
ClinVar note: Converted during submission from likely pathogenic to Likely pathogenic.

Literature cited by the submitters: PubMed 10737997.

NM_000377.3(WAS):c.310C>T (p.Gln104Ter)

Gene: WAS (WASP actin nucleation promoting factor; plus strand). Cytogenetic location: Xp11.23.
Variant type: single nucleotide variant.
Coding change: c.310C>T on transcript NM_000377.3 (MANE Select); coding-DNA position 310, C replaced by T.
Protein change: p.Gln104Ter; replaces glutamine 104 with a stop codon.
Molecular consequence: nonsense.
Genome position (GRCh38, 1-based): chrX:48,685,583, C>T. VCF-style: chrX-48685583-C-T. GRCh37 (hg19) VCF-style: chrX-48543972-C-T.
Other names: short protein forms Q104*.
Identifiers: ClinVar variation 36910 (VCV000036910.3), dbSNP rs193922414, ClinGen allele CA342894.
Genomic context (GRCh38, chrX:48,685,583, plus strand): 5'-GCCTCCCACCCTACACCTCTCCAGGCTGGTCGGCTGCTCTGGGAACAGGAGCTGTACTCA[C>T]AGCTTGTCTACTCCACCCCCACCCCCTTCTTCCACACCTTCGCTGGAGATGTAAGTGATC-3'